The following is an entry in ClinVar:

NM_004830.4(MED23):c.479T>C (p.Leu160Pro)

Gene: MED23 (mediator complex subunit 23; minus strand). Cytogenetic location: 6q23.2.
Variant type: single nucleotide variant.
Coding change: c.479T>C on transcript NM_004830.4 (MANE Select); coding-DNA position 479, T replaced by C.
Protein change: p.Leu160Pro; replaces leucine 160 with proline.
Molecular consequence: missense variant.
Genome position (GRCh38, 1-based): chr6:131,621,897, A>G on the plus strand (T>C on the coding strand, the complement: MED23 is on the minus strand). VCF-style: chr6-131621897-A-G. GRCh37 (hg19) VCF-style: chr6-131943037-A-G.
Other names: c.479T>C, p.Leu160Pro (NM_001270521.2, NM_001270522.2, NM_015979.4); short protein forms L160P.
Identifiers: ClinVar variation 191215 (VCV000191215.3), dbSNP rs786205583, ClinGen allele CA236271.

ClinVar aggregate classification (germline): Likely pathogenic. Review status: criteria provided, single submitter (1 of 4 stars). 2 submissions from 1 submitter: Likely pathogenic (1). 1 of the submissions does not count toward it. Last evaluated 2024-03-17.

Conditions:
Intellectual developmental disorder, autosomal recessive 18, with or without epilepsy. Also called: Intellectual disability, autosomal recessive 18. Identifiers: Orphanet 88616, MedGen C3280265, MONDO:0013651, OMIM 614249.

Submissions (2):

Genomic Medicine Center of Excellence, King Faisal Specialist Hospital and Research Centre
Classification: Likely pathogenic for Intellectual developmental disorder, autosomal recessive 18, with or without epilepsy. Last evaluated: 2024-03-17. Review status: criteria provided, single submitter. Criteria: ACMG Guidelines, 2015. Collection method: research. Allele origin: germline.

Genomic Medicine Center of Excellence, King Faisal Specialist Hospital and Research Centre
Classification: Likely pathogenic. Review status: flagged submission. Criteria: ACMG Guidelines, 2015. Collection method: research. Allele origin: germline. Affected: yes. Not counted in ClinVar's aggregate classification.
ClinVar note: Reason: This record appears to be redundant with a more recent record from the same submitter.
ClinVar note: Notes: SCV000221599 appears to be redundant with SCV004805090.